The following is an entry in ClinVar:

ClinVar aggregate classification (germline): Uncertain significance. Review status: criteria provided, multiple submitters, no conflicts (2 of 4 stars). 2 submissions from 2 submitters: Uncertain significance (2). Last evaluated 2025-01-17.

Conditions:
Inborn genetic diseases. Identifiers: MedGen C0950123, MeSH D030342.

Submissions (2):

Ambry Genetics
Classification: Uncertain significance for Inborn genetic diseases. Last evaluated: 2025-01-17. Review status: criteria provided, single submitter. Criteria: Ambry Variant Classification Scheme 2023. Collection method: clinical testing. Allele origin: germline.
Comment: The p.S255T variant (also known as c.763T>A), located in coding exon 7 of the USB1 gene, results from a T to A substitution at nucleotide position 763. The serine at codon 255 is replaced by threonine, an amino acid with similar properties. This amino acid position is conserved. In addition, this alteration is predicted to be tolerated by in silico analysis. Based on the available evidence, the clinical significance of this variant remains unclear.

Labcorp Genetics (formerly Invitae), Labcorp
Classification: Uncertain significance. Last evaluated: 2021-06-24. Review status: criteria provided, single submitter. Criteria: Invitae Variant Classification Sherloc (09022015). Collection method: clinical testing. Allele origin: germline.
Comment: This sequence change replaces serine with threonine at codon 255 of the USB1 protein (p.Ser255Thr). The serine residue is weakly conserved and there is a small physicochemical difference between serine and threonine. This variant is not present in population databases (ExAC no frequency). This variant has not been reported in the literature in individuals with USB1-related conditions. Algorithms developed to predict the effect of missense changes on protein structure and function are either unavailable or do not agree on the potential impact of this missense change (SIFT: "Not Available"; PolyPhen-2: "Possibly Damaging"; Align-GVGD: "Not Available"). In summary, the available evidence is currently insufficient to determine the role of this variant in disease. Therefore, it has been classified as a Variant of Uncertain Significance.

NM_024598.4(USB1):c.763T>A (p.Ser255Thr)

Gene: USB1 (U6 snRNA biogenesis phosphodiesterase 1; plus strand). Cytogenetic location: 16q21.
Variant type: single nucleotide variant.
Coding change: c.763T>A on transcript NM_024598.4 (MANE Select); coding-DNA position 763, T replaced by A.
Protein change: p.Ser255Thr; replaces serine 255 with threonine.
Molecular consequence: missense variant.
Genome position (GRCh38, 1-based): chr16:58,020,210, T>A. VCF-style: chr16-58020210-T-A. GRCh37 (hg19) VCF-style: chr16-58054114-T-A.
Other names: c.763T>A (NM_024598.3); c.709T>A, p.Ser237Thr (NM_001195302.2); c.610T>A, p.Ser204Thr (NM_001330568.2); short protein forms S237T, S204T, S255T.
Identifiers: ClinVar variation 1487080 (VCV001487080.9), dbSNP rs2142314696, ClinGen allele CA396130425.